The following is an entry in ClinVar:

ClinVar aggregate classification (germline): Uncertain significance (1 of 4 stars; one submission).

gnomAD v4.1: 4 of 1,614,198 alleles (0.00025%); highest among the groups gnomAD compares: Middle Eastern, 0.016%; no homozygotes.

Submission:

GeneDx
Classification: Uncertain significance. Last evaluated: 2025-10-14. Review status: criteria provided, single submitter. Criteria: GeneDx Variant Classification Process June 2021. Collection method: clinical testing. Allele origin: germline. Affected: yes.
Comment: Not observed at significant frequency in large population cohorts (gnomAD); In silico analysis suggests that this missense variant does not alter protein structure/function; Has not been previously published as pathogenic or benign to our knowledge; Variants in candidate genes are classified as variants of uncertain significance in accordance with ACMG guidelines (PMID: 25741868)

NM_015158.5(KANK1):c.385C>T (p.Leu129Phe)

Gene: KANK1 (KN motif and ankyrin repeat domains 1; plus strand). Cytogenetic location: 9p24.3.
Variant type: single nucleotide variant.
Coding change: c.385C>T on transcript NM_015158.5 (MANE Select); coding-DNA position 385, C replaced by T.
Protein change: p.Leu129Phe; replaces leucine 129 with phenylalanine.
Molecular consequence: missense variant. On other transcripts: 5 prime UTR variant (12), non-coding transcript variant (1).
Genome position (GRCh38, 1-based): chr9:711,151, C>T. VCF-style: chr9-711151-C-T. GRCh37 (hg19) VCF-style: chr9-711151-C-T.
Other names: c.385C>T, p.Leu129Phe (NM_001256876.3, NM_001256877.3, NM_001354331.2 and 2 more transcripts); c.-90C>T (NM_001354333.2, NM_001354335.2, NM_001354336.2 and 9 more transcripts); short protein forms L129F.
Identifiers: ClinVar variation 450775 (VCV000450775.3), dbSNP rs1554696232, ClinGen allele CA372746052.